The following is an entry in ClinVar:

NM_004369.4(COL6A3):c.2260C>A (p.Gln754Lys)

Gene: COL6A3 (collagen type VI alpha 3 chain; minus strand). Cytogenetic location: 2q37.3.
Variant type: single nucleotide variant.
Coding change: c.2260C>A on transcript NM_004369.4 (MANE Select); coding-DNA position 2260, C replaced by A.
Protein change: p.Gln754Lys; replaces glutamine 754 with lysine.
Molecular consequence: missense variant. On other transcripts: intron variant (1).
Genome position (GRCh38, 1-based): chr2:237,378,873, G>T on the plus strand (C>A on the coding strand, the complement: COL6A3 is on the minus strand). VCF-style: chr2-237378873-G-T. GRCh37 (hg19) VCF-style: chr2-238287516-G-T.
Other names: c.1039C>A, p.Gln347Lys (NM_057164.5); c.1642C>A, p.Gln548Lys (NM_057165.5, NM_057167.4); c.677-1529C>A (NM_057166.5); short protein forms Q347K, Q548K, Q754K.
Identifiers: ClinVar variation 855617 (VCV000855617.1), dbSNP rs763798987, ClinGen allele CA2189441.

ClinVar aggregate classification (germline): Uncertain significance (1 of 4 stars; one submission).

Conditions:
Bethlem myopathy 1A. Also called: MYOPATHY, BENIGN CONGENITAL, WITH CONTRACTURES; Bethlem myopathy 1; Bethlem Muscular Dystrophy. Identifiers: Orphanet 610, MedGen CN029274, MONDO:0024530, OMIM 158810.

Allele frequency attached by ClinVar (database versions not stated): gnomAD exomes below 0.00001 and 0.00001; ExAC 0.00001.
gnomAD v4.1: 2 of 1,614,250 alleles (0.00012%); highest among the groups gnomAD compares: Non-Finnish European, 0.00017%; no homozygotes.

Submission:

Labcorp Genetics (formerly Invitae), Labcorp
Classification: Uncertain significance for Bethlem myopathy 1. Last evaluated: 2019-12-23. Review status: criteria provided, single submitter. Criteria: Invitae Variant Classification Sherloc (09022015). Collection method: clinical testing. Allele origin: germline.
Comment: This sequence change replaces glutamine with lysine at codon 754 of the COL6A3 protein (p.Gln754Lys). The glutamine residue is weakly conserved and there is a small physicochemical difference between glutamine and lysine. This variant is present in population databases (rs763798987, ExAC 0.001%). This variant has not been reported in the literature in individuals with COL6A3-related conditions. Algorithms developed to predict the effect of missense changes on protein structure and function (SIFT, PolyPhen-2, Align-GVGD) all suggest that this variant is likely to be tolerated, but these predictions have not been confirmed by published functional studies and their clinical significance is uncertain. In summary, the available evidence is currently insufficient to determine the role of this variant in disease. Therefore, it has been classified as a Variant of Uncertain Significance.